The following is an entry in ClinVar:

ClinVar aggregate classification (germline): Uncertain significance (1 of 4 stars; one submission).

Conditions:
Early-infantile DEE. Also called: Early infantile epileptic encephalopathy with suppression bursts; Early infantile epileptic encephalopathy; Ohtahara syndrome. Identifiers: Orphanet 1934, MedGen C0393706, MONDO:0800491.

Allele frequency attached by ClinVar (database versions not stated): TOPMed below 0.00001; gnomAD exomes 0.00004.

Submission:

Labcorp Genetics (formerly Invitae), Labcorp
Classification: Uncertain significance for Early-infantile DEE. Last evaluated: 2024-04-27. Review status: criteria provided, single submitter. Criteria: Invitae Variant Classification Sherloc (09022015). Collection method: clinical testing. Allele origin: germline.
Comment: This variant, c.2459_2460insCCT, results in the insertion of 1 amino acid(s) of the HCN1 protein (p.Thr820_Ala821insLeu), but otherwise preserves the integrity of the reading frame. This variant is present in population databases (no rsID available, gnomAD 0.003%). This variant has not been reported in the literature in individuals affected with HCN1-related conditions. ClinVar contains an entry for this variant (Variation ID: 2188876). In summary, the available evidence is currently insufficient to determine the role of this variant in disease. Therefore, it has been classified as a Variant of Uncertain Significance.

NM_021072.4(HCN1):c.2459_2460insCCT (p.Thr820_Ala821insLeu)

Gene: HCN1 (hyperpolarization activated cyclic nucleotide gated potassium channel 1; minus strand). Cytogenetic location: 5p12.
Variant type: Insertion.
Coding change: c.2459_2460insCCT on transcript NM_021072.4 (MANE Select); coding-DNA positions 2459 to 2460, CCT inserted.
Protein change: p.Thr820_Ala821insLeu.
Molecular consequence: inframe insertion.
Genome position: GRCh38 VCF-style: chr5-45262134-C-CAGG. GRCh37 (hg19) VCF-style: chr5-45262236-C-CAGG.
Identifiers: ClinVar variation 2188876 (VCV002188876.4), dbSNP rs1561078984, ClinGen allele CA559801635.